The following is an entry in ClinVar:

NM_020366.4(RPGRIP1):c.671C>T (p.Ala224Val)

Gene: RPGRIP1 (RPGR interacting protein 1; plus strand). Cytogenetic location: 14q11.2.
Variant type: single nucleotide variant.
Coding change: c.671C>T on transcript NM_020366.4 (MANE Select); coding-DNA position 671, C replaced by T.
Protein change: p.Ala224Val; replaces alanine 224 with valine.
Molecular consequence: missense variant.
Genome position (GRCh38, 1-based): chr14:21,303,414, C>T. VCF-style: chr14-21303414-C-T. GRCh37 (hg19) VCF-style: chr14-21771573-C-T.
Other names: short protein forms A224V.
Identifiers: ClinVar variation 2006514 (VCV002006514.5), dbSNP rs376060001, ClinGen allele CA257494956.

ClinVar aggregate classification (germline): Uncertain significance. Review status: criteria provided, multiple submitters, no conflicts (2 of 4 stars). 2 submissions from 2 submitters: Uncertain significance (2). Last evaluated 2024-07-24.

Conditions:
Cone-rod dystrophy 13 (CORD13). Identifiers: Orphanet 1872, MedGen C2750720, MONDO:0011987, OMIM 608194.
Leber congenital amaurosis 6 (LCA6). Identifiers: Orphanet 65, MedGen C1854260, MONDO:0013446, OMIM 613826.

Allele frequency attached by ClinVar (database versions not stated): TOPMed 0.00003; ESP Exome Variant Server 0.00008.

Submissions (2):

Labcorp Genetics (formerly Invitae), Labcorp
Classification: Uncertain significance for Leber congenital amaurosis 6; Cone-rod dystrophy 13. Last evaluated: 2024-07-24. Review status: criteria provided, single submitter. Criteria: Invitae Variant Classification Sherloc (09022015). Collection method: clinical testing. Allele origin: germline.
Comment: This sequence change replaces alanine, which is neutral and non-polar, with valine, which is neutral and non-polar, at codon 224 of the RPGRIP1 protein (p.Ala224Val). This variant is present in population databases (rs376060001, gnomAD 0.007%). This variant has not been reported in the literature in individuals affected with RPGRIP1-related conditions. ClinVar contains an entry for this variant (Variation ID: 2006514). Advanced modeling of protein sequence and biophysical properties (such as structural, functional, and spatial information, amino acid conservation, physicochemical variation, residue mobility, and thermodynamic stability) performed at Invitae indicates that this missense variant is not expected to disrupt RPGRIP1 protein function with a negative predictive value of 80%. In summary, the available evidence is currently insufficient to determine the role of this variant in disease. Therefore, it has been classified as a Variant of Uncertain Significance.

Blueprint Genetics
Classification: Uncertain significance. Last evaluated: 2019-04-18. Review status: criteria provided, single submitter. Criteria: ACMG Guidelines, 2015. Collection method: clinical testing. Allele origin: germline.